The following is an entry in ClinVar:

NM_002474.3(MYH11):c.2666_2676del (p.Lys889fs)

Gene: MYH11 (myosin heavy chain 11; minus strand). Cytogenetic location: 16p13.11.
Variant type: Deletion.
Coding change: c.2666_2676del on transcript NM_002474.3 (MANE Select); coding-DNA positions 2666 to 2676, 11 bases deleted (AGAACCTGCTA).
Protein change: p.Lys889fs; shifts the reading frame from lysine 889.
Molecular consequence: frameshift variant.
Genome position (GRCh38, 1-based): chr16:15,741,646-15,741,656, TAGCAGGTTCT deleted on the plus strand (AGAACCTGCTA on the coding strand, the reverse complement: MYH11 is on the minus strand); deleting any 11 consecutive bases within chr16:15,741,646-15,741,657 gives the same sequence; the c. name uses the placement nearest the transcript's 3' end. VCF-style (leftmost placement, unchanged base first): chr16-15741645-GTAGCAGGTTCT-G. GRCh37 (hg19) VCF-style: chr16-15835502-GTAGCAGGTTCT-G.
Other names: c.2687_2697del, p.Lys896fs (NM_001040113.2, NM_001040114.2); c.2666_2676del, p.Lys889fs (NM_022844.3); short protein forms K889fs, K896fs.
Identifiers: ClinVar variation 4874705 (VCV004874705.2).
Genomic context (GRCh38, chr16:15,741,645, plus strand): 5'-GCCGCACCCGCATCTCCTCAGCCTCTGCATACAGCTCTGTCTCTGCCTGCAGCTGTTCCT[GTAGCAGGTTCT>G]TCTCCTCGGTCAGCTGCACGCAGGTGGTGGGGAGGAGGCGGGTGAGCCCCACGGGGCCAA-3'

ClinVar aggregate classification (germline): Pathogenic (1 of 4 stars; one submission).

Submission:

CeGaT Center for Human Genetics Tuebingen
Classification: Pathogenic. Last evaluated: 2026-08-01. Review status: criteria provided, single submitter. Criteria: CeGaT Center For Human Genetics Tuebingen Variant Classification Criteria Version 2. Collection method: clinical testing. Allele origin: germline. Affected: yes. Observed: 4 variant alleles.
Comment: MYH11: PVS1, PM2, PM3:Supporting